The following is an entry in ClinVar:

ClinVar aggregate classification (germline): Uncertain significance. Review status: criteria provided, multiple submitters, no conflicts (2 of 4 stars). 4 submissions from 4 submitters: Uncertain significance (4). Last evaluated 2026-02-01.

Conditions:
Hereditary cancer-predisposing syndrome. Also called: Hereditary Cancer Syndrome; Hereditary neoplastic syndrome; Neoplastic Syndromes, Hereditary; Tumor predisposition. Identifiers: Orphanet 140162, MedGen C0027672, MeSH D009386, MONDO:0015356.

Allele frequency attached by ClinVar (database versions not stated): gnomAD exomes 0.00001; TOPMed 0.00002; gnomAD 0.00003; ESP Exome Variant Server 0.00008.

Submissions (4):

Labcorp Genetics (formerly Invitae), Labcorp
Classification: Uncertain significance. Last evaluated: 2026-02-01. Review status: criteria provided, single submitter. Criteria: Invitae Variant Classification Sherloc (09022015). Collection method: clinical testing. Allele origin: germline.
Comment: This sequence change replaces arginine, which is basic and polar, with histidine, which is basic and polar, at codon 2131 of the POLE protein (p.Arg2131His). This variant is present in population databases (rs141954509, gnomAD 0.003%). This variant has not been reported in the literature in individuals affected with POLE-related conditions. ClinVar contains an entry for this variant (Variation ID: 405590). Invitae Evidence Modeling of protein sequence and biophysical properties (such as structural, functional, and spatial information, amino acid conservation, physicochemical variation, residue mobility, and thermodynamic stability) indicates that this missense variant is not expected to disrupt POLE protein function with a negative predictive value of 80%. In summary, the available evidence is currently insufficient to determine the role of this variant in disease. Therefore, it has been classified as a Variant of Uncertain Significance.

Ambry Genetics
Classification: Uncertain significance for Hereditary cancer-predisposing syndrome. Last evaluated: 2025-04-23. Review status: criteria provided, single submitter. Criteria: Ambry Variant Classification Scheme 2023. Collection method: clinical testing. Allele origin: germline.
Comment: The p.R2131H variant (also known as c.6392G>A), located in coding exon 46 of the POLE gene, results from a G to A substitution at nucleotide position 6392. The arginine at codon 2131 is replaced by histidine, an amino acid with highly similar properties. This amino acid position is highly conserved in available vertebrate species. In addition, the in silico prediction for this alteration is inconclusive. Based on the available evidence, the clinical significance of this variant remains unclear.

GeneDx
Classification: Uncertain significance. Last evaluated: 2023-02-28. Review status: criteria provided, single submitter. Criteria: GeneDx Variant Classification Process June 2021. Collection method: clinical testing. Allele origin: germline. Affected: yes.
Comment: Not observed at significant frequency in large population cohorts (gnomAD); In silico analysis supports that this missense variant has a deleterious effect on protein structure/function; Has not been previously published as pathogenic or benign to our knowledge

Laboratory for Molecular Medicine, Mass General Brigham Personalized Medicine
Classification: Uncertain significance. Last evaluated: 2017-02-06. Review status: criteria provided, single submitter. Criteria: LMM Criteria. Collection method: clinical testing. Allele origin: germline. Observed: 1 variant allele.
Comment: The p.Arg2131His variant in POLE has not been previously reported in individuals with colorectal cancer, but has been identified in 1/8600 of European American chromosomes by the NHLBI Exome Sequencing Project (EVS/; dbSNP rs141954509). Computational prediction tools and conservation analys is suggest that the p.Arg2131His variant may impact the protein, though this inf ormation is not predictive enough to determine pathogenicity. In summary, the cl inical significance of the p.Arg2131His variant is uncertain.

NM_006231.4(POLE):c.6392G>A (p.Arg2131His)

Gene: POLE (DNA polymerase epsilon, catalytic subunit; minus strand). Cytogenetic location: 12q24.33.
Variant type: single nucleotide variant.
Coding change: c.6392G>A on transcript NM_006231.4 (MANE Select); coding-DNA position 6392, G replaced by A.
Protein change: p.Arg2131His; replaces arginine 2131 with histidine.
Molecular consequence: missense variant.
Genome position (GRCh38, 1-based): chr12:132,626,256, C>T on the plus strand (G>A on the coding strand, the complement: POLE is on the minus strand). VCF-style: chr12-132626256-C-T. GRCh37 (hg19) VCF-style: chr12-133202842-C-T.
Other names: short protein forms R2131H.
Identifiers: ClinVar variation 405590 (VCV000405590.16), dbSNP rs141954509, ClinGen allele CA16613711.